The following is an entry in ClinVar:

NM_022114.4(PRDM16):c.888G>A (p.Leu296=)

Gene: PRDM16 (PR/SET domain 16; plus strand). Cytogenetic location: 1p36.32.
Variant type: single nucleotide variant.
Coding change: c.888G>A on transcript NM_022114.4 (MANE Select); coding-DNA position 888, G replaced by A.
Protein change: p.Leu296=; no amino-acid change (leucine 296 retained).
Molecular consequence: synonymous variant.
Genome position (GRCh38, 1-based): chr1:3,404,742, G>A. VCF-style: chr1-3404742-G-A. GRCh37 (hg19) VCF-style: chr1-3321306-G-A.
Other names: c.888G>A, p.Leu296= (NM_199454.3).
Identifiers: ClinVar variation 4754702 (VCV004754702.1).

ClinVar aggregate classification (germline): Uncertain significance (1 of 4 stars; one submission).

Conditions:
Left ventricular noncompaction 8 (LVNC8). Identifiers: Orphanet 154, Orphanet 54260, MedGen C3809288, MONDO:0014152, OMIM 615373.

gnomAD v4.1: 1 of 1,613,338 alleles (0.000062%); highest among the groups gnomAD compares: East Asian, 0.0022%; no homozygotes.

Submission:

Labcorp Genetics (formerly Invitae), Labcorp
Classification: Uncertain significance for Left ventricular noncompaction 8. Last evaluated: 2025-03-31. Review status: criteria provided, single submitter. Criteria: Invitae Variant Classification Sherloc (09022015). Collection method: clinical testing. Allele origin: germline.
Comment: This sequence change affects codon 296 of the PRDM16 mRNA. It is a 'silent' change, meaning that it does not change the encoded amino acid sequence of the PRDM16 protein. This variant is not present in population databases (gnomAD no frequency). This variant has not been reported in the literature in individuals affected with PRDM16-related conditions. Algorithms developed to predict the effect of sequence changes on RNA splicing suggest that this variant may create or strengthen a splice site. In summary, the available evidence is currently insufficient to determine the role of this variant in disease. Therefore, it has been classified as a Variant of Uncertain Significance.